The following is an entry in ClinVar:

ClinVar aggregate classification (germline): Uncertain significance (1 of 4 stars; one submission).

Submission:

GeneDx
Classification: Uncertain significance. Last evaluated: 2020-01-18. Review status: criteria provided, single submitter. Criteria: GeneDx Variant Classification Process June 2021. Collection method: clinical testing. Allele origin: germline. Affected: yes.
Comment: Not observed in large population cohorts (Lek et al., 2016); In silico analysis, which includes protein predictors and evolutionary conservation, supports that this variant does not alter protein structure/function; Has not been previously published as pathogenic or benign to our knowledge

NM_003336.4(UBE2A):c.97A>T (p.Ile33Leu)

Gene: UBE2A (ubiquitin conjugating enzyme E2 A; plus strand). Cytogenetic location: Xq24.
Variant type: single nucleotide variant.
Coding change: c.97A>T on transcript NM_003336.4 (MANE Select); coding-DNA position 97, A replaced by T.
Protein change: p.Ile33Leu; replaces isoleucine 33 with leucine.
Molecular consequence: missense variant. On other transcripts: 5 prime UTR variant (1).
Genome position (GRCh38, 1-based): chrX:119,574,953, A>T. VCF-style: chrX-119574953-A-T. GRCh37 (hg19) VCF-style: chrX-118708916-A-T.
Other names: c.-3A>T (NM_001282161.2); c.97A>T, p.Ile33Leu (NM_181762.3); short protein forms I33L.
Identifiers: ClinVar variation 1311708 (VCV001311708.2), dbSNP rs2147373347, ClinGen allele CA414374157.